The following is an entry in ClinVar:

NM_138694.4(PKHD1):c.10831A>C (p.Ile3611Leu)

Gene: PKHD1 (PKHD1 ciliary IPT domain containing fibrocystin/polyductin; minus strand). Cytogenetic location: 6p12.3.
Variant type: single nucleotide variant.
Coding change: c.10831A>C on transcript NM_138694.4 (MANE Select); coding-DNA position 10831, A replaced by C.
Protein change: p.Ile3611Leu; replaces isoleucine 3611 with leucine.
Molecular consequence: missense variant.
Genome position (GRCh38, 1-based): chr6:51,659,295, T>G on the plus strand (A>C on the coding strand, the complement: PKHD1 is on the minus strand). VCF-style: chr6-51659295-T-G. GRCh37 (hg19) VCF-style: chr6-51524093-T-G.
Other names: short protein forms I3611L.
Identifiers: ClinVar variation 528292 (VCV000528292.11), dbSNP rs1298906012, ClinGen allele CA364431751.

ClinVar aggregate classification (germline): Uncertain significance. Review status: criteria provided, single submitter (1 of 4 stars). 2 submissions from 2 submitters: Uncertain significance (1). 1 of the submissions does not count toward it. Last evaluated 2021-08-27.

Conditions:
Autosomal recessive polycystic kidney disease (ARPKD). Also called: AR polycystic kidney disease. Identifiers: Orphanet 731, Orphanet 8378, MedGen C0085548, MeSH D017044, MONDO:0009889.

Allele frequency attached by ClinVar (database versions not stated): gnomAD exomes below 0.00001.
gnomAD v4.1: 2 of 1,613,884 alleles (0.00012%); highest among the groups gnomAD compares: East Asian, 0.0045%; no homozygotes.

Submissions (2):

Labcorp Genetics (formerly Invitae), Labcorp
Classification: Uncertain significance for Autosomal recessive polycystic kidney disease. Last evaluated: 2021-08-27. Review status: criteria provided, single submitter. Criteria: Invitae Variant Classification Sherloc (09022015). Collection method: clinical testing. Allele origin: germline.
Comment: This sequence change replaces isoleucine with leucine at codon 3611 of the PKHD1 protein (p.Ile3611Leu). The isoleucine residue is moderately conserved and there is a small physicochemical difference between isoleucine and leucine. This variant is not present in population databases (ExAC no frequency). This variant has not been reported in the literature in individuals affected with PKHD1-related conditions. Algorithms developed to predict the effect of missense changes on protein structure and function (SIFT, PolyPhen-2, Align-GVGD) all suggest that this variant is likely to be tolerated. In summary, the available evidence is currently insufficient to determine the role of this variant in disease. Therefore, it has been classified as a Variant of Uncertain Significance.

Natera, Inc.
Classification: Uncertain significance for Autosomal recessive polycystic kidney disease. Last evaluated: 2021-06-08. Review status: no assertion criteria provided. Collection method: clinical testing. Allele origin: germline. Not counted in ClinVar's aggregate classification.